The following is an entry in ClinVar:

NM_000238.4(KCNH2):c.983G>A (p.Arg328His)

Gene: KCNH2 (potassium voltage-gated channel subfamily H member 2; minus strand). Cytogenetic location: 7q36.1.
Variant type: single nucleotide variant.
Coding change: c.983G>A on transcript NM_000238.4 (MANE Select); coding-DNA position 983, G replaced by A.
Protein change: p.Arg328His; replaces arginine 328 with histidine.
Molecular consequence: missense variant.
Genome position (GRCh38, 1-based): chr7:150,957,436, C>T on the plus strand (G>A on the coding strand, the complement: KCNH2 is on the minus strand). VCF-style: chr7-150957436-C-T. GRCh37 (hg19) VCF-style: chr7-150654524-C-T.
Other names: p.R328H:CGC>CAC; c.695G>A, p.Arg232His (NM_001406753.1, NM_001406756.1); c.806G>A, p.Arg269His (NM_001406755.1); c.683G>A, p.Arg228His (NM_001406757.1); c.983G>A, p.Arg328His (NM_172056.3); short protein forms R328H, R269H, R228H, R232H.
Identifiers: ClinVar variation 200315 (VCV000200315.22), dbSNP rs747437736, ClinGen allele CA009061.
Genomic context (GRCh38, chr7:150,957,436, plus strand): 5'-AAGGGGTCGCCCTTGAGGTCCACAAAGTTGAGGGTGATTTGGGGAATCTTGCTAATGGTG[C>T]GGTAGCGCACGAGGTCGGAGTCCGAGGTGGAGTTGAGCAAGCCGCTGCGCAGTGGGTGCA-3'
Protein context (NP_000229.1, residues 318-338): STSDSDLVRY[Arg328His]TISKIPQITL

ClinVar aggregate classification (germline): Uncertain significance. Review status: criteria provided, multiple submitters, no conflicts (2 of 4 stars). 7 submissions from 7 submitters: Uncertain significance (7). Last evaluated 2026-01-26.

Conditions:
Cardiac arrhythmia. Also called: Arrhythmia; Cardiac rhythm disease. Identifiers: MedGen C0003811, MONDO:0007263, HP:0011675.
Cardiovascular phenotype. Identifiers: MedGen CN230736.
Long QT syndrome (LQTS). Identifiers: MedGen C0023976, MeSH D008133, MONDO:0002442. Disease mechanism: loss of function. Inheritance: Various modes of inheritance.

Allele frequency attached by ClinVar (database versions not stated): gnomAD exomes 0.00001 and 0.00002; gnomAD 0.00002; TOPMed 0.00002; ExAC 0.00003.
gnomAD v4.1: 11 of 1,614,058 alleles (0.00068%); highest among the groups gnomAD compares: African/African-American, 0.008%; no homozygotes.

Submissions (7):

Labcorp Genetics (formerly Invitae), Labcorp
Classification: Uncertain significance for Long QT syndrome. Last evaluated: 2026-01-26. Review status: criteria provided, single submitter. Criteria: Invitae Variant Classification Sherloc (09022015). Collection method: clinical testing. Allele origin: germline.
Comment: This sequence change replaces arginine, which is basic and polar, with histidine, which is basic and polar, at codon 328 of the KCNH2 protein (p.Arg328His). This variant is present in population databases (rs747437736, gnomAD 0.004%). This variant has not been reported in the literature in individuals affected with KCNH2-related conditions. ClinVar contains an entry for this variant (Variation ID: 200315). An algorithm developed to predict the effect of missense changes on protein structure and function (PolyPhen-2) suggests that this variant is likely to be disruptive. In summary, the available evidence is currently insufficient to determine the role of this variant in disease. Therefore, it has been classified as a Variant of Uncertain Significance.

Women's Health and Genetics/Laboratory Corporation of America, LabCorp
Classification: Uncertain significance. Last evaluated: 2026-01-02. Review status: criteria provided, single submitter. Criteria: LabCorp Variant Classification Summary - May 2015. Collection method: clinical testing. Allele origin: germline.
Comment: Variant summary: KCNH2 c.983G>A (p.Arg328His) results in a non-conservative amino acid change in the encoded protein sequence. Algorithms developed to predict the effect of missense changes on protein structure and function all suggest that this variant is likely to be disruptive. The variant allele was found at a frequency of 1.6e-05 in 250798 control chromosomes (gnomAD). The available data on variant occurrences in the general population are insufficient to allow any conclusion about variant significance. c.983G>A has been observed in one individual affected with Brugada syndrome (Tran_2025). The report does not provide unequivocal conclusions about association of the variant with Arrhythmia. To our knowledge, no experimental evidence demonstrating an impact on protein function has been reported. The following publication have been ascertained in the context of this evaluation (PMID: 39895654). ClinVar contains an entry for this variant (Variation ID: 200315). Based on the evidence outlined above, the variant was classified as uncertain significance.

Color Diagnostics, LLC DBA Color Health
Classification: Uncertain significance for Cardiac arrhythmia. Last evaluated: 2024-12-17. Review status: criteria provided, single submitter. Criteria: ACMG Guidelines, 2015. Collection method: clinical testing. Allele origin: germline.
Comment: This missense variant replaces arginine with histidine at codon 328 of the KCNH2 protein. Computational prediction suggests that this variant may have deleterious impact on protein structure and function. To our knowledge, functional studies have not been reported for this variant. This variant has not been reported in individuals affected with KCNH2-related disorders in the literature. This variant has been identified in 5/282208 chromosomes in the general population by the Genome Aggregation Database (gnomAD). The available evidence is insufficient to determine the role of this variant in disease conclusively. Therefore, this variant is classified as a Variant of Uncertain Significance.

Ambry Genetics
Classification: Uncertain significance for Cardiovascular phenotype. Last evaluated: 2023-07-06. Review status: criteria provided, single submitter. Criteria: Ambry Variant Classification Scheme 2023. Collection method: clinical testing. Allele origin: germline.
Comment: The p.R328H variant (also known as c.983G>A), located in coding exon 5 of the KCNH2 gene, results from a G to A substitution at nucleotide position 983. The arginine at codon 328 is replaced by histidine, an amino acid with highly similar properties. This amino acid position is highly conserved in available vertebrate species. In addition, this alteration is predicted to be deleterious by in silico analysis. Since supporting evidence is limited at this time, the clinical significance of this alteration remains unclear.

All of Us Research Program, National Institutes of Health
Classification: Uncertain significance for Long QT syndrome. Last evaluated: 2023-06-08. Review status: criteria provided, single submitter. Criteria: ACMG Guidelines, 2015. Collection method: clinical testing. Allele origin: germline. Inheritance: Autosomal dominant inheritance. Observed: 2 variant alleles, 2 heterozygotes.
Comment: This missense variant replaces arginine with histidine at codon 328 of the KCNH2 protein. Computational prediction suggests that this variant may have deleterious impact on protein structure and function (internally defined REVEL score threshold >= 0.7, PMID: 27666373). To our knowledge, functional studies have not been reported for this variant. This variant has not been reported in individuals affected with cardiovascular disorders in the literature. This variant has been identified in 5/282208 chromosomes in the general population by the Genome Aggregation Database (gnomAD). The available evidence is insufficient to determine the role of this variant in disease conclusively. Therefore, this variant is classified as a Variant of Uncertain Significance.

This study involves interpretation of variants in research participants for the purpose of population health screening. Participant phenotype was not available at the time of variant classification. Additional details can be found in publication PMID: 35346344, PMCID: PMC8962531

AiLife Diagnostics
Classification: Uncertain significance. Last evaluated: 2022-02-16. Review status: criteria provided, single submitter. Criteria: ACMG Guidelines, 2015. Collection method: clinical testing. Allele origin: germline. Affected: yes. Observed: 1 variant allele.

GeneDx
Classification: Uncertain significance. Last evaluated: 2013-06-26. Review status: criteria provided, single submitter. Criteria: GeneDx Variant Classification (06012015). Collection method: clinical testing. Allele origin: germline. Affected: yes.
Comment: p.Arg328His (CGC>CAC): c.983 G>A in exon 5 of the KCNH2 gene (NM_000238.2). The Arg328His variant in the KCNH2 gene has not been reported as a disease-causing mutation or as a benign polymorphism to our knowledge. Although Arg328His results in a conservative amino acid substitution of one positively-charged amino acid for another, this substitution occurs at a position that is conserved across most species. Mutations in nearby residues (Ser320Leu, Asp323Asn, Pro334Leu) have been reported in association with LQTS, further supporting the functional significance of this region of the protein. In silico algorithms are not consistent in their predictions but at least two concur that Arg328His is benign to the protein structure/function. A more severe amino acid substitution at this same residue, Arg328Cys, has been reported in two individuals referred for LQTS testing (Tester D et al., 2005), however in vitro functional studies of Arg328Cys showed that this variant had no effect on current density (Grunnet M et al., 2005). Nevertheless, neither Arg328His nor Arg328Cys were observed in approximately 6500 individuals of European and African American ancestry in the NHLBI Exome Sequencing Project, indicating they are not common benign variants in these populations. With the clinical and molecular information available at this time, we cannot definitively determine if Arg328His is a disease-causing mutation or a rare benign variant. The variant is found in LQT panel(s).

Literature cited by the submitters: PubMed 39895654 (cited by Women's Health and Genetics/Laboratory Corporation of America, LabCorp).